The following is an entry in ClinVar:

NM_007294.4(BRCA1):c.4123G>A (p.Glu1375Lys)

Gene: BRCA1 (BRCA1 DNA repair associated; minus strand). Cytogenetic location: 17q21.31.
Variant type: single nucleotide variant.
Coding change: c.4123G>A on transcript NM_007294.4 (MANE Select); coding-DNA position 4123, G replaced by A.
Protein change: p.Glu1375Lys; replaces glutamic acid 1375 with lysine.
Molecular consequence: missense variant. On other transcripts: non-coding transcript variant (1).
Genome position (GRCh38, 1-based): chr17:43,091,006, C>T on the plus strand (G>A on the coding strand, the complement: BRCA1 is on the minus strand). VCF-style: chr17-43091006-C-T. GRCh37 (hg19) VCF-style: chr17-41243023-C-T.
Other names: c.691G>A, p.Glu231Lys (NM_001408441.1, NM_001408442.1, NM_001408443.1 and 12 more transcripts); c.688G>A, p.Glu230Lys (NM_001408445.1, NM_001408446.1, NM_001408447.1 and 6 more transcripts); c.679G>A, p.Glu227Lys (NM_001408451.1); c.673G>A, p.Glu225Lys (NM_001408452.1, NM_001408453.1, NM_001408454.1 and 11 more transcripts); c.670G>A, p.Glu224Lys (NM_001408462.1, NM_001408463.1, NM_001408464.1 and 3 more transcripts); c.814G>A, p.Glu272Lys (NM_001408472.1, NM_007298.4, NM_007299.4 and 18 more transcripts); c.811G>A, p.Glu271Lys (NM_001408473.1, NM_001407972.1, NM_001407984.1 and 13 more transcripts); c.613G>A, p.Glu205Lys (NM_001408474.1, NM_001408476.1); and 41 more; short protein forms E1375K, E1328K, E272K, E104K, E1248K, E1304K, E1307K, E1308K.
Identifiers: ClinVar variation 491067 (VCV000491067.17), dbSNP rs80357397, ClinGen allele CA10593479.

ClinVar aggregate classification (germline): Uncertain significance. Review status: criteria provided, multiple submitters, no conflicts (2 of 4 stars). 3 submissions from 3 submitters: Uncertain significance (3). Last evaluated 2024-04-23.

Conditions:
Hereditary breast ovarian cancer syndrome. Also called: Breast and ovarian cancer; Hereditary breast and/or ovarian cancer syndrome; Hereditary breast and ovarian cancer; Hereditary breast and ovarian cancer syndrome (HBOC); BRCA1- and BRCA2-Associated Hereditary Breast and Ovarian Cancer; Hereditary breast and ovarian cancer syndrome. Identifiers: Orphanet 145, MedGen C0677776, MeSH D061325, MONDO:0003582. Disease mechanism: loss of function.
Hereditary cancer-predisposing syndrome. Also called: Hereditary Cancer Syndrome; Neoplastic Syndromes, Hereditary; Tumor predisposition; Hereditary neoplastic syndrome. Identifiers: Orphanet 140162, MedGen C0027672, MeSH D009386, MONDO:0015356.

Submissions (3):

Labcorp Genetics (formerly Invitae), Labcorp
Classification: Uncertain significance for Hereditary breast ovarian cancer syndrome. Last evaluated: 2024-04-23. Review status: criteria provided, single submitter. Criteria: Invitae Variant Classification Sherloc (09022015). Collection method: clinical testing. Allele origin: germline.
Comment: This sequence change replaces glutamic acid, which is acidic and polar, with lysine, which is basic and polar, at codon 1375 of the BRCA1 protein (p.Glu1375Lys). This variant is not present in population databases (gnomAD no frequency). This variant has not been reported in the literature in individuals affected with BRCA1-related conditions. ClinVar contains an entry for this variant (Variation ID: 491067). Advanced modeling of protein sequence and biophysical properties (such as structural, functional, and spatial information, amino acid conservation, physicochemical variation, residue mobility, and thermodynamic stability) performed at Invitae indicates that this missense variant is expected to disrupt BRCA1 protein function with a positive predictive value of 95%. In summary, the available evidence is currently insufficient to determine the role of this variant in disease. Therefore, it has been classified as a Variant of Uncertain Significance.

Ambry Genetics
Classification: Uncertain significance for Hereditary cancer-predisposing syndrome. Last evaluated: 2023-10-15. Review status: criteria provided, single submitter. Criteria: Ambry Variant Classification Scheme 2023. Collection method: clinical testing. Allele origin: germline.
Comment: The p.E1375K variant (also known as c.4123G>A), located in coding exon 10 of the BRCA1 gene, results from a G to A substitution at nucleotide position 4123. The glutamic acid at codon 1375 is replaced by lysine, an amino acid with similar properties. This amino acid position is highly conserved in available vertebrate species. In addition, this alteration is predicted to be deleterious by in silico analysis. Since supporting evidence is limited at this time, the clinical significance of this alteration remains unclear.

Color Diagnostics, LLC DBA Color Health
Classification: Uncertain significance for Hereditary cancer-predisposing syndrome. Last evaluated: 2019-03-20. Review status: criteria provided, single submitter. Criteria: ACMG Guidelines, 2015. Collection method: clinical testing. Allele origin: germline.